The following is an entry in ClinVar:

NM_004415.4(DSP):c.3084+175C>T

Gene: DSP (desmoplakin; plus strand). Cytogenetic location: 6p24.3.
Variant type: single nucleotide variant.
Coding change: c.3084+175C>T on transcript NM_004415.4 (MANE Select); 175 bases into the intron after coding-DNA position 3084, C replaced by T.
Molecular consequence: intron variant.
Genome position (GRCh38, 1-based): chr6:7,578,737, C>T. VCF-style: chr6-7578737-C-T. GRCh37 (hg19) VCF-style: chr6-7578970-C-T.
Other names: c.3084+175C>T (NM_001319034.2, NM_001008844.3).
Identifiers: ClinVar variation 672137 (VCV000672137.1), dbSNP rs2744378, ClinGen allele CA15430616.

ClinVar aggregate classification (germline): Benign (1 of 4 stars; one submission).

Allele frequency attached by ClinVar (database versions not stated): gnomAD 0.66365; TOPMed 0.68766; 1000 Genomes Project 30x 0.70034; 1000 Genomes Project 0.70347.
gnomAD v4.1: 103,680 of 152,068 alleles (68%); highest among the groups gnomAD compares: East Asian, 80%; 35,641 homozygotes.

Submission:

GeneDx
Classification: Benign. Last evaluated: 2018-06-15. Review status: criteria provided, single submitter. Criteria: GeneDx Variant Classification (06012015). Collection method: clinical testing. Allele origin: germline. Affected: yes.
Comment: This variant is considered likely benign or benign based on one or more of the following criteria: it is a conservative change, it occurs at a poorly conserved position in the protein, it is predicted to be benign by multiple in silico algorithms, and/or has population frequency not consistent with disease.